The following is an entry in ClinVar:

NM_004371.4(COPA):c.3331C>A (p.Leu1111Met)

Gene: COPA (coat protein complex I subunit alpha; minus strand). Cytogenetic location: 1q23.2.
Variant type: single nucleotide variant.
Coding change: c.3331C>A on transcript NM_004371.4 (MANE Select); coding-DNA position 3331, C replaced by A.
Protein change: p.Leu1111Met; replaces leucine 1111 with methionine.
Molecular consequence: missense variant.
Genome position (GRCh38, 1-based): chr1:160,291,424, G>T on the plus strand (C>A on the coding strand, the complement: COPA is on the minus strand). VCF-style: chr1-160291424-G-T. GRCh37 (hg19) VCF-style: chr1-160261214-G-T.
Other names: c.3358C>A, p.Leu1120Met (NM_001098398.2); short protein forms L1111M, L1120M.
Identifiers: ClinVar variation 1050931 (VCV001050931.9), dbSNP rs181135283, ClinGen allele CA343271148.

ClinVar aggregate classification (germline): Uncertain significance (1 of 4 stars; one submission).

Conditions:
Autoimmune interstitial lung disease-arthritis syndrome. Also called: Autoinflammation and autoimmunity, systemic, with immune dysregulation. Identifiers: Orphanet 444092, MedGen C5975714, MONDO:0014629.

gnomAD v4.1: 1 of 1,614,180 alleles (0.000062%); highest among the groups gnomAD compares: East Asian, 0.0022%; no homozygotes.

Submission:

Labcorp Genetics (formerly Invitae), Labcorp
Classification: Uncertain significance for Autoimmune interstitial lung disease-arthritis syndrome. Last evaluated: 2020-01-01. Review status: criteria provided, single submitter. Criteria: Invitae Variant Classification Sherloc (09022015). Collection method: clinical testing. Allele origin: germline.
Comment: In summary, the available evidence is currently insufficient to determine the role of this variant in disease. Therefore, it has been classified as a Variant of Uncertain Significance. Algorithms developed to predict the effect of missense changes on protein structure and function (SIFT, PolyPhen-2, Align-GVGD) all suggest that this variant is likely to be tolerated, but these predictions have not been confirmed by published functional studies and their clinical significance is uncertain. This variant has not been reported in the literature in individuals with COPA-related conditions. This variant is not present in population databases (ExAC no frequency). This sequence change replaces leucine with methionine at codon 1111 of the COPA protein (p.Leu1111Met). The leucine residue is moderately conserved and there is a small physicochemical difference between leucine and methionine.